The following is an entry in ClinVar:

ClinVar aggregate classification (germline): Uncertain significance (1 of 4 stars; one submission).

gnomAD v4.1: 2 of 1,579,232 alleles (0.00013%); highest among the groups gnomAD compares: South Asian, 0.0012%; no homozygotes.

Submission:

Women's Health and Genetics/Laboratory Corporation of America, LabCorp
Classification: Uncertain significance. Last evaluated: 2024-08-30. Review status: criteria provided, single submitter. Criteria: LabCorp Variant Classification Summary - May 2015. Collection method: clinical testing. Allele origin: germline.
Comment: Variant summary: ADA c.407G>A (p.Gly136Asp) results in a non-conservative amino acid change located in the Adenosine deaminase domain (IPR001365) of the encoded protein sequence. Five of five in-silico tools predict a damaging effect of the variant on protein function. The variant was absent in 218308 control chromosomes. c.407G>A has been reported in the literature in at least one homozygous individual affected with Severe Combined Immunodeficiency (e.g., Vignesh_2020). These data indicate that the variant may be associated with disease. To our knowledge, no experimental evidence demonstrating an impact on protein function has been reported. The following publication has been ascertained in the context of this evaluation (PMID: 33628209). No submitters have cited clinical-significance assessments for this variant to ClinVar. Based on the evidence outlined above, the variant was classified as VUS-possibly pathogenic.

Literature cited by the submitters: PubMed 33628209.

NM_000022.4(ADA):c.407G>A (p.Gly136Asp)

Gene: ADA (adenosine deaminase; minus strand). Cytogenetic location: 20q13.12.
Variant type: single nucleotide variant.
Coding change: c.407G>A on transcript NM_000022.4 (MANE Select); coding-DNA position 407, G replaced by A.
Protein change: p.Gly136Asp; replaces glycine 136 with aspartic acid.
Molecular consequence: missense variant. On other transcripts: non-coding transcript variant (1), intron variant (1).
Genome position (GRCh38, 1-based): chr20:44,625,640, C>T on the plus strand (G>A on the coding strand, the complement: ADA is on the minus strand). VCF-style: chr20-44625640-C-T. GRCh37 (hg19) VCF-style: chr20-43254281-C-T.
Other names: c.407G>A, p.Gly136Asp (NM_001322051.2); c.73+816G>A (NM_001322050.2); short protein forms G136D.
Identifiers: ClinVar variation 3366667 (VCV003366667.1).
Genomic context (GRCh38, chr20:44,625,640, plus strand): 5'-CGCATGCAGCACAGGATGGACCGGGCCTTGACCCCGAAGTCTCGCTCCCCCTCCTGCAGG[C>T]CCTGGCCCACTAGGGCCACCACCTCGTCTGGGGTGAGGTCCCCTCTGTGTGAGGAGAGGA-3'
Protein context (NP_000013.2, residues 126-146): PDEVVALVGQ[Gly136Asp]LQEGERDFGV